The following is an entry in ClinVar:

ClinVar aggregate classification (germline): Uncertain significance. Review status: criteria provided, multiple submitters, no conflicts (2 of 4 stars). 2 submissions from 2 submitters: Uncertain significance (2). Last evaluated 2017-07-21.

Conditions:
Cardiovascular phenotype. Identifiers: MedGen CN230736.

Allele frequency attached by ClinVar (database versions not stated): gnomAD exomes below 0.00001 and 0.00001; ExAC 0.00002.
gnomAD v4.1: 1 of 1,614,128 alleles (0.000062%); highest among the groups gnomAD compares: South Asian, 0.0011%; no homozygotes.

Submissions (2):

Ambry Genetics
Classification: Uncertain significance for Cardiovascular phenotype. Last evaluated: 2017-07-21. Review status: criteria provided, single submitter. Criteria: Ambry Variant Classification Scheme 2023. Collection method: clinical testing. Allele origin: germline.
Comment: The p.A685T variant (also known as c.2053G>A), located in coding exon 15 of the TRPM4 gene, results from a G to A substitution at nucleotide position 2053. The alanine at codon 685 is replaced by threonine, an amino acid with similar properties. This amino acid position is poorly conserved in available vertebrate species. In addition, this alteration is predicted to be tolerated by in silico analysis. Since supporting evidence is limited at this time, the clinical significance of this alteration remains unclear.

GeneDx
Classification: Uncertain significance. Last evaluated: 2017-05-17. Review status: criteria provided, single submitter. Criteria: GeneDx Variant Classification (06012015). Collection method: clinical testing. Allele origin: germline. Affected: yes.
Comment: The A685T variant in the TRPM4 gene has not been reported previously as a pathogenic variant, nor as a benign variant, to our knowledge. The A685T variant is not observed at a significant frequency in large population cohorts (Lek et al., 2016; 1000 Genomes Consortium et al., 2015; Exome Variant Server). The A685T variant is a non-conservative amino acid substitution, which is likely to impact secondary protein structure as these residues differ in polarity, charge, size and/or other properties. However, this substitution occurs at a position that is not conserved, and in silico analysis is inconsistent in its predictions as to whether or not the variant is damaging to the protein structure/function. Therefore, we interpret A685T as a variant of uncertain significance.

NM_017636.4(TRPM4):c.2053G>A (p.Ala685Thr)

Gene: TRPM4 (transient receptor potential cation channel subfamily M member 4; plus strand). Cytogenetic location: 19q13.33.
Variant type: single nucleotide variant.
Coding change: c.2053G>A on transcript NM_017636.4 (MANE Select); coding-DNA position 2053, G replaced by A.
Protein change: p.Ala685Thr; replaces alanine 685 with threonine.
Molecular consequence: missense variant.
Genome position (GRCh38, 1-based): chr19:49,190,241, G>A. VCF-style: chr19-49190241-G-A. GRCh37 (hg19) VCF-style: chr19-49693498-G-A.
Other names: c.2053G>A, p.Ala685Thr (NM_001195227.2); c.1708G>A, p.Ala570Thr (NM_001321281.2); c.445G>A, p.Ala149Thr (NM_001321282.2); c.1531G>A, p.Ala511Thr (NM_001321283.2); c.991G>A, p.Ala331Thr (NM_001321285.2); short protein forms A685T, A149T, A331T, A570T, A511T.
Identifiers: ClinVar variation 429959 (VCV000429959.4), dbSNP rs761730198, ClinGen allele CA9569424.